The following is an entry in ClinVar:

NM_001378418.1(TCF20):c.3931A>G (p.Ile1311Val)

Gene: TCF20 (transcription factor 20; minus strand). Cytogenetic location: 22q13.2.
Variant type: single nucleotide variant.
Coding change: c.3931A>G on transcript NM_001378418.1 (MANE Select); coding-DNA position 3931, A replaced by G.
Protein change: p.Ile1311Val; replaces isoleucine 1311 with valine.
Molecular consequence: missense variant.
Genome position (GRCh38, 1-based): chr22:42,211,375, T>C on the plus strand (A>G on the coding strand, the complement: TCF20 is on the minus strand). VCF-style: chr22-42211375-T-C. GRCh37 (hg19) VCF-style: chr22-42607381-T-C.
Other names: c.3931A>G, p.Ile1311Val (NM_005650.4, NM_181492.3); short protein forms I1311V.
Identifiers: ClinVar variation 2277903 (VCV002277903.2), dbSNP rs367931028, ClinGen allele CA10266750.

ClinVar aggregate classification (germline): Uncertain significance (1 of 4 stars; one submission).

Conditions:
Inborn genetic diseases. Identifiers: MedGen C0950123, MeSH D030342.

Allele frequency attached by ClinVar (database versions not stated): ExAC 0.00001; gnomAD 0.00001; gnomAD exomes 0.00001; TOPMed 0.00002; ESP Exome Variant Server 0.00008.
gnomAD v4.1: 5 of 1,614,092 alleles (0.00031%); highest among the groups gnomAD compares: African/African-American, 0.0027%; no homozygotes.

Submission:

Ambry Genetics
Classification: Uncertain significance for Inborn genetic diseases. Last evaluated: 2022-03-29. Review status: criteria provided, single submitter. Criteria: Ambry Variant Classification Scheme 2023. Collection method: clinical testing. Allele origin: germline.
Comment: The c.3931A>G (p.I1311V) alteration is located in exon 1 (coding exon 1) of the TCF20 gene. This alteration results from a A to G substitution at nucleotide position 3931, causing the isoleucine (I) at amino acid position 1311 to be replaced by a valine (V). Based on data from gnomAD, the G allele has an overall frequency of 0.0004% (1/251472) total alleles studied. The highest observed frequency was 0.0009% (1/113748) of European (non-Finnish) alleles. This amino acid position is not well conserved in available vertebrate species. This alteration is predicted to be tolerated by in silico analysis. Based on insufficient or conflicting evidence, the clinical significance of this alteration remains unclear.